The following is an entry in ClinVar:

ClinVar aggregate classification (germline): Uncertain significance (1 of 4 stars; one submission).

Conditions:
Brachyolmia-amelogenesis imperfecta syndrome. Also called: Tooth agenesis, selective, 6; Dental anomalies and short stature; PLATYSPONDYLY WITH AMELOGENESIS IMPERFECTA. Identifiers: Orphanet 2899, MedGen C1832594, MONDO:0011018, OMIM 601216. Disease mechanism: loss of function.

Allele frequency attached by ClinVar (database versions not stated): gnomAD exomes below 0.00001; TOPMed below 0.00001; gnomAD 0.00001.
gnomAD v4.1: 2 of 1,603,044 alleles (0.00012%); highest among the groups gnomAD compares: Non-Finnish European, 0.00017%; no homozygotes.

Submission:

Labcorp Genetics (formerly Invitae), Labcorp
Classification: Uncertain significance for Brachyolmia-amelogenesis imperfecta syndrome. Last evaluated: 2024-01-25. Review status: criteria provided, single submitter. Criteria: Invitae Variant Classification Sherloc (09022015). Collection method: clinical testing. Allele origin: germline.
Comment: This sequence change replaces arginine, which is basic and polar, with leucine, which is neutral and non-polar, at codon 743 of the LTBP3 protein (p.Arg743Leu). This variant is not present in population databases (gnomAD no frequency). This variant has not been reported in the literature in individuals affected with LTBP3-related conditions. An algorithm developed to predict the effect of missense changes on protein structure and function (PolyPhen-2) suggests that this variant is likely to be tolerated. In summary, the available evidence is currently insufficient to determine the role of this variant in disease. Therefore, it has been classified as a Variant of Uncertain Significance.

NM_001130144.3(LTBP3):c.2228G>T (p.Arg743Leu)

Genes: LTBP3 (latent transforming growth factor beta binding protein 3; minus strand), LOC130006030 (ATAC-STARR-seq lymphoblastoid silent region 3533; plus strand). Cytogenetic location: 11q13.1.
Variant type: single nucleotide variant.
Coding change: c.2228G>T on transcript NM_001130144.3 (MANE Select); coding-DNA position 2228, G replaced by T.
Protein change: p.Arg743Leu; replaces arginine 743 with leucine.
Molecular consequence: missense variant.
Genome position (GRCh38, 1-based): chr11:65,546,800, C>A on the plus strand (G>T on the coding strand, the complement: LTBP3 is on the minus strand). VCF-style: chr11-65546800-C-A. GRCh37 (hg19) VCF-style: chr11-65314271-C-A.
Other names: c.1877G>T, p.Arg626Leu (NM_001164266.1); c.2228G>T, p.Arg743Leu (NM_021070.4); short protein forms R626L, R743L.
Identifiers: ClinVar variation 3003327 (VCV003003327.3), dbSNP rs1356168485, ClinGen allele CA381269852.